The following is an entry in ClinVar:

NM_201384.3(PLEC):c.5042A>G (p.Glu1681Gly)

Gene: PLEC (plectin; minus strand). Cytogenetic location: 8q24.3.
Variant type: single nucleotide variant.
Coding change: c.5042A>G on transcript NM_201384.3 (MANE Select); coding-DNA position 5042, A replaced by G.
Protein change: p.Glu1681Gly; replaces glutamic acid 1681 with glycine.
Molecular consequence: missense variant.
Genome position (GRCh38, 1-based): chr8:143,924,887, T>C on the plus strand (A>G on the coding strand, the complement: PLEC is on the minus strand). VCF-style: chr8-143924887-T-C. GRCh37 (hg19) VCF-style: chr8-144999055-T-C.
Other names: c.5123A>G, p.Glu1708Gly (NM_000445.5); c.5000A>G, p.Glu1667Gly (NM_201378.4); c.4976A>G, p.Glu1659Gly (NM_201379.3); c.5453A>G, p.Glu1818Gly (NM_201380.4); c.4946A>G, p.Glu1649Gly (NM_201381.3); c.5042A>G, p.Glu1681Gly (NM_201382.4); c.5054A>G, p.Glu1685Gly (NM_201383.3); short protein forms E1649G, E1659G, E1667G, E1681G, E1685G, E1708G, E1818G.
Identifiers: ClinVar variation 1878881 (VCV001878881.1), dbSNP rs781887176, ClinGen allele CA4926447.
Genomic context (GRCh38, chr8:143,924,887, plus strand): 5'-GCCAGCTGCCGCTGCTTCTCCAGCTCTTGTTCAGCCAGCTCCCGCTGCCGGACGGCCTGC[T>C]CCTCCGCCTTGCCGCGCCGCCGCGCCTCGCGCTCCGCCTCCTCCTTCTGCTTCTCAGCCT-3'
Protein context (NP_958786.1, residues 1671-1691): REARRRGKAE[Glu1681Gly]QAVRQRELAE

ClinVar aggregate classification (germline): Uncertain significance (1 of 4 stars; one submission).

Allele frequency attached by ClinVar (database versions not stated): gnomAD exomes below 0.00001; ExAC 0.00002.

Submission:

GeneDx
Classification: Uncertain significance. Last evaluated: 2022-07-08. Review status: criteria provided, single submitter. Criteria: GeneDx Variant Classification Process June 2021. Collection method: clinical testing. Allele origin: germline. Affected: yes.
Comment: Not observed at significant frequency in large population cohorts (gnomAD); In silico analysis supports that this missense variant has a deleterious effect on protein structure/function; Missense variant in a gene in which most reported pathogenic variants are truncating/loss of function; Has not been previously published as pathogenic or benign to our knowledge